The following is an entry in ClinVar:

NM_001267550.2(TTN):c.613A>G (p.Lys205Glu)

Gene: TTN (titin; minus strand). Cytogenetic location: 2q31.2.
Variant type: single nucleotide variant.
Coding change: c.613A>G on transcript NM_001267550.2 (MANE Select); coding-DNA position 613, A replaced by G.
Protein change: p.Lys205Glu; replaces lysine 205 with glutamic acid.
Molecular consequence: missense variant.
Genome position (GRCh38, 1-based): chr2:178,799,881, T>C on the plus strand (A>G on the coding strand, the complement: TTN is on the minus strand). VCF-style: chr2-178799881-T-C. GRCh37 (hg19) VCF-style: chr2-179664608-T-C.
Other names: c.613A>G, p.Lys205Glu (NM_001256850.1, NM_003319.4, NM_133378.4 and 3 more transcripts); short protein forms K205E.
Identifiers: ClinVar variation 1049952 (VCV001049952.6), dbSNP rs763768455, ClinGen allele CA2006276.

ClinVar aggregate classification (germline): Conflicting classifications of pathogenicity. Review status: criteria provided, conflicting classifications (1 of 4 stars). 5 submissions from 5 submitters: Uncertain significance (3); Likely benign (1). 1 of the submissions does not count toward it. Last evaluated 2026-03-10.

Conditions:
Cardiomyopathy (CMYO). Also called: Cardiomyopathies. Identifiers: Orphanet 167848, MedGen C0878544, MONDO:0004994, HP:0001638. Inheritance: Various modes of inheritance.
TTN-related disorder. Also called: TTN-related disorders; TTN-related condition; TTN-related disease.

Allele frequency attached by ClinVar (database versions not stated): gnomAD exomes below 0.00001 and 0.00001; TOPMed below 0.00001; ExAC 0.00001.
gnomAD v4.1: 7 of 1,614,144 alleles (0.00043%); highest among the groups gnomAD compares: Non-Finnish European, 0.00051%; no homozygotes.

Submissions (5):

PreventionGenetics, part of Exact Sciences
Classification: Uncertain significance for TTN-related condition. Last evaluated: 2026-03-10. Review status: criteria provided, single submitter. Criteria: ACMG Guidelines, 2015. Collection method: clinical testing. Allele origin: germline.
Comment: The TTN c.613A>G variant is predicted to result in the amino acid substitution p.Lys205Glu. To our knowledge, this variant has not been reported in the literature. This variant is reported in 0.0029% of alleles in individuals of Latino descent in gnomAD. At this time, the clinical significance of this variant is uncertain due to the absence of conclusive functional and genetic evidence.

Women's Health and Genetics/Laboratory Corporation of America, LabCorp
Classification: Uncertain significance. Last evaluated: 2025-07-24. Review status: criteria provided, single submitter. Criteria: LabCorp Variant Classification Summary - May 2015. Collection method: clinical testing. Allele origin: germline.

Blueprint Genetics
Classification: Likely benign. Last evaluated: 2024-11-07. Review status: criteria provided, single submitter. Criteria: ACMG Guidelines, 2015. Collection method: clinical testing. Allele origin: germline.

CHEO Genetics Diagnostic Laboratory, Children's Hospital of Eastern Ontario
Classification: Uncertain significance for Cardiomyopathy. Last evaluated: 2020-12-08. Review status: criteria provided, single submitter. Criteria: ACMG Guidelines, 2015. Collection method: clinical testing. Allele origin: germline.

Department of Pathology and Laboratory Medicine, Sinai Health System
Classification: Uncertain significance. Review status: no assertion criteria provided. Collection method: clinical testing. Allele origin: unknown. Affected: yes. Study: The Canadian Open Genetics Repository (COGR). Not counted in ClinVar's aggregate classification.
Comment: The TTN p.Lys205Glu variant was not identified in the literature nor was it identified in ClinVar. The variant was identified in dbSNP (ID: rs763768455) and in control databases in 2 of 251176 chromosomes at a frequency of 0.000007963 (Genome Aggregation Database March 6, 2019, v2.1.1). The variant was observed in the following populations: Latino in 1 of 34584 chromosomes (freq: 0.000029) and European (non-Finnish) in 1 of 113548 chromosomes (freq: 0.000009), but was not observed in the African, Ashkenazi Jewish, East Asian, European (Finnish), Other, or South Asian populations. The p.Lys205 residue is conserved in mammals and computational analyses (PolyPhen-2, SIFT, AlignGVGD, BLOSUM, MutationTaster) provide inconsistent predictions regarding the impact to the protein; this information is not very predictive of pathogenicity. The variant occurs outside of the splicing consensus sequence and in silico or computational prediction software programs (SpliceSiteFinder, MaxEntScan, NNSPLICE, GeneSplicer) do not predict a difference in splicing. In summary, based on the above information the clinical significance of this variant cannot be determined with certainty at this time. This variant is classified as a variant of uncertain significance.